The following is an entry in ClinVar:

NC_000001.10:g.(?_45794914)_(45800183_?)dup

Gene: MUTYH (mutY DNA glycosylase; minus strand). Cytogenetic location: 1p34.1.
Variant type: Duplication.
Identifiers: ClinVar variation 417585 (VCV000417585.1).

ClinVar aggregate classification (germline): Uncertain significance (1 of 4 stars; one submission).

Conditions:
Familial adenomatous polyposis 2. Also called: COLORECTAL ADENOMATOUS POLYPOSIS, AUTOSOMAL RECESSIVE; MUTYH Polyposis; MUTYH-associated polyposis; MUTYH-related attenuated familial adenomatous polyposis; Adenomas, multiple colorectal; ADENOMAS, MULTIPLE COLORECTAL, AUTOSOMAL RECESSIVE. Identifiers: Orphanet 220460, Orphanet 247798, MedGen C3272841, MONDO:0012041, OMIM 608456.

Submission:

Labcorp Genetics (formerly Invitae), Labcorp
Classification: Uncertain significance for Familial adenomatous polyposis 2. Last evaluated: 2016-09-22. Review status: criteria provided, single submitter. Criteria: Invitae Variant Classification Sherloc (09022015). Collection method: clinical testing. Allele origin: germline.
Comment: This variant is a gross duplication of the genomic region encompassing exons 2-16 of the MUTYH gene. The 5' boundary is likely confined to intron 1. The 3' end of this event is unknown as it extends beyond the assayed region for this gene and therefore may encompass additional genes. A duplication of exons 2-16 in MUTYH has not been reported in the literature in individuals with a MUTYH-related disease. In summary, the exact genomic location of this variant is unknown and the impact of this duplication on MUTYH protein function has not been established. Therefore, it has been classified as a Variant of Uncertain Significance.